The following is an entry in ClinVar:

NM_000815.5(GABRD):c.848-5G>A

Gene: GABRD (gamma-aminobutyric acid type A receptor subunit delta; plus strand). Cytogenetic location: 1p36.33.
Variant type: single nucleotide variant.
Coding change: c.848-5G>A on transcript NM_000815.5 (MANE Select); 5 bases into the intron before coding-DNA position 848, G replaced by A.
Molecular consequence: intron variant.
Genome position (GRCh38, 1-based): chr1:2,029,546, G>A. VCF-style: chr1-2029546-G-A. GRCh37 (hg19) VCF-style: chr1-1960985-G-A.
Identifiers: ClinVar variation 2738511 (VCV002738511.3), dbSNP rs765992334, ClinGen allele CA534827.

ClinVar aggregate classification (germline): Uncertain significance (1 of 4 stars; one submission).

Conditions:
Idiopathic generalized epilepsy. Also called: EIG; Generalised epilepsy. Identifiers: MedGen C0270850, MONDO:0005579, OMIM 600669.

Allele frequency attached by ClinVar (database versions not stated): ExAC 0.00001.
gnomAD v4.1: 6 of 1,612,152 alleles (0.00037%); highest among the groups gnomAD compares: African/African-American, 0.0013%; no homozygotes.

Submission:

Labcorp Genetics (formerly Invitae), Labcorp
Classification: Uncertain significance for Idiopathic generalized epilepsy. Last evaluated: 2024-10-24. Review status: criteria provided, single submitter. Criteria: Invitae Variant Classification Sherloc (09022015). Collection method: clinical testing. Allele origin: germline.
Comment: This sequence change falls in intron 7 of the GABRD gene. It does not directly change the encoded amino acid sequence of the GABRD protein. This variant is present in population databases (rs765992334, gnomAD 0.007%). This variant has not been reported in the literature in individuals affected with GABRD-related conditions. Algorithms developed to predict the effect of sequence changes on RNA splicing suggest that this variant may create or strengthen a splice site. In summary, the available evidence is currently insufficient to determine the role of this variant in disease. Therefore, it has been classified as a Variant of Uncertain Significance.